The following is an entry in ClinVar:

ClinVar aggregate classification (germline): Uncertain significance (1 of 4 stars; one submission).

Submission:

Labcorp Genetics (formerly Invitae), Labcorp
Classification: Uncertain significance. Last evaluated: 2025-03-05. Review status: criteria provided, single submitter. Criteria: Invitae Variant Classification Sherloc (09022015). Collection method: clinical testing. Allele origin: germline.
Comment: This sequence change replaces alanine, which is neutral and non-polar, with threonine, which is neutral and polar, at codon 354 of the KRT83 protein (p.Ala354Thr). Information on the frequency of this variant in the gnomAD database is not available, as this variant may be reported differently in the database. This variant has not been reported in the literature in individuals affected with KRT83-related conditions. Experimental studies and prediction algorithms are not available or were not evaluated, and the functional significance of this variant is currently unknown. In summary, the available evidence is currently insufficient to determine the role of this variant in disease. Therefore, it has been classified as a Variant of Uncertain Significance.

NM_002282.3(KRT83):c.1059_1060inv (p.Ala354Thr)

Gene: KRT83 (keratin 83; minus strand). Cytogenetic location: 12q13.13.
Variant type: Inversion.
Coding change: c.1059_1060inv on transcript NM_002282.3 (MANE Select).
Protein change: p.Ala354Thr; replaces alanine 354 with threonine.
Molecular consequence: missense variant.
Genome position: GRCh38 VCF-style: chr12-52316095-CA-TG. GRCh37 (hg19) VCF-style: chr12-52709879-CA-TG.
Other names: short protein forms A354T.
Identifiers: ClinVar variation 4747957 (VCV004747957.1).